The following is an entry in ClinVar:

ClinVar aggregate classification (germline): Uncertain significance (1 of 4 stars; one submission).

Conditions:
Primary ciliary dyskinesia 33. Also called: CILIARY DYSKINESIA, PRIMARY, 33, WITHOUT SITUS INVERSUS. Identifiers: Orphanet 244, MedGen C4225230, MONDO:0014750, OMIM 616726.

Allele frequency attached by ClinVar (database versions not stated): gnomAD below 0.00001 and 0.00002; TOPMed 0.00001; ExAC 0.00003; gnomAD exomes 0.00003; ESP Exome Variant Server 0.00008; 1000 Genomes Project 30x 0.00016; 1000 Genomes Project 0.00020.
gnomAD v4.1: 33 of 1,613,734 alleles (0.002%); highest among the groups gnomAD compares: South Asian, 0.027%; no homozygotes.

Submission:

Labcorp Genetics (formerly Invitae), Labcorp
Classification: Uncertain significance for Ciliary dyskinesia, primary, 33. Last evaluated: 2019-11-18. Review status: criteria provided, single submitter. Criteria: Invitae Variant Classification Sherloc (09022015). Collection method: clinical testing. Allele origin: germline.
Comment: This sequence change replaces arginine with tryptophan at codon 67 of the GAS8 protein (p.Arg67Trp). The arginine residue is highly conserved and there is a moderate physicochemical difference between arginine and tryptophan. This variant is present in population databases (rs369186884, ExAC 0.02%). This variant has not been reported in the literature in individuals with GAS8-related conditions. Algorithms developed to predict the effect of missense changes on protein structure and function (SIFT, PolyPhen-2, Align-GVGD) all suggest that this variant is likely to be disruptive, but these predictions have not been confirmed by published functional studies and their clinical significance is uncertain. In summary, the available evidence is currently insufficient to determine the role of this variant in disease. Therefore, it has been classified as a Variant of Uncertain Significance.

NM_001481.3(DRC4):c.199C>T (p.Arg67Trp)

Gene: DRC4 (dynein regulatory complex subunit 4; plus strand). Cytogenetic location: 16q24.3.
Variant type: single nucleotide variant.
Coding change: c.199C>T on transcript NM_001481.3 (MANE Select); coding-DNA position 199, C replaced by T.
Protein change: p.Arg67Trp; replaces arginine 67 with tryptophan.
Molecular consequence: missense variant. On other transcripts: 5 prime UTR variant (2).
Genome position (GRCh38, 1-based): chr16:90,031,407, C>T. VCF-style: chr16-90031407-C-T. GRCh37 (hg19) VCF-style: chr16-90097815-C-T.
Other names: c.-51C>T (NM_001286205.2); c.-323C>T (NM_001286208.2); c.124C>T, p.Arg42Trp (NM_001286209.2); short protein forms R42W, R67W.
Identifiers: ClinVar variation 848017 (VCV000848017.1), dbSNP rs369186884, ClinGen allele CA8257708.